The following is an entry in ClinVar:

ClinVar aggregate classification (germline): Conflicting classifications of pathogenicity. Review status: criteria provided, conflicting classifications (1 of 4 stars). 8 submissions from 8 submitters: Uncertain significance (2); Likely benign (3). 3 of the submissions do not count toward it. Last evaluated 2026-01-13.

Conditions:
USH2A-related disorder. Also called: USH2A-related condition; USH2A-related disorders. Identifiers: MedGen CN239332.

Allele frequency attached by ClinVar (database versions not stated): gnomAD exomes 0.00030; ExAC 0.00033; ESP Exome Variant Server 0.00038; gnomAD 0.00059 and 0.00061; 1000 Genomes Project 30x 0.00062; TOPMed 0.00067; 1000 Genomes Project 0.00080.
gnomAD v4.1: 305 of 1,613,630 alleles (0.019%); highest among the groups gnomAD compares: African/African-American, 0.2%; 1 homozygote.

Submissions (8):

Labcorp Genetics (formerly Invitae), Labcorp
Classification: Likely benign. Last evaluated: 2026-01-13. Review status: criteria provided, single submitter. Criteria: Invitae Variant Classification Sherloc (09022015). Collection method: clinical testing. Allele origin: germline.

Blueprint Genetics
Classification: Likely benign. Last evaluated: 2024-11-13. Review status: criteria provided, single submitter. Criteria: ACMG Guidelines, 2015. Collection method: clinical testing. Allele origin: germline.

Women's Health and Genetics/Laboratory Corporation of America, LabCorp
Classification: Uncertain significance. Last evaluated: 2022-07-29. Review status: criteria provided, single submitter. Criteria: LabCorp Variant Classification Summary - May 2015. Collection method: clinical testing. Allele origin: germline.
Comment: Variant summary: USH2A c.8575C>T (p.Arg2859Cys) results in a non-conservative amino acid change in the encoded protein sequence. Three of five in-silico tools predict a benign effect of the variant on protein function. The variant allele was found at a frequency of 0.0003 in 251146 control chromosomes (gnomAD). This frequency is not significantly higher than expected for a pathogenic variant in USH2A causing Usher Syndrome (0.0003 vs 0.011), allowing no conclusion about variant significance. c.8575C>T has been reported in the literature as a VUS in heterozygous individuals affected with Usher Syndrome, inherited retinal disease, and hearing impairment, without strong evidence for causality (e.g. Besnard_2014, Gao_2021, Wonkam_2021). These reports do not provide unequivocal conclusions about association of the variant with Usher Syndrome. To our knowledge, no experimental evidence demonstrating an impact on protein function has been reported. Two clinical diagnostic laboratories have submitted clinical-significance assessments for this variant to ClinVar after 2014. One laboratory classified the variant as likely benign, and one laboratory classified the variant as uncertain significance. Based on the evidence outlined above, the variant was classified as uncertain significance.

GeneDx
Classification: Uncertain significance. Last evaluated: 2020-12-28. Review status: criteria provided, single submitter. Criteria: GeneDx Variant Classification Process June 2021. Collection method: clinical testing. Allele origin: germline. Affected: yes.
Comment: In silico analysis, which includes protein predictors and evolutionary conservation, supports that this variant does not alter protein structure/function; This variant is associated with the following publications: (PMID: 31054281)

Laboratory for Molecular Medicine, Mass General Brigham Personalized Medicine
Classification: Likely benign. Last evaluated: 2010-09-15. Review status: criteria provided, single submitter. Criteria: LMM Criteria. Collection method: clinical testing. Allele origin: germline. Observed: 2 variant alleles.
Comment: Arg2859Cys in exon 43 of USH2A: This variant is not expected to have clinical si gnificance because it is not conserved in mammals with a cysteine residue in mou se and cow.

PreventionGenetics, part of Exact Sciences
Classification: Likely benign for USH2A-related condition. Last evaluated: 2024-09-06. Review status: no assertion criteria provided. Collection method: clinical testing. Allele origin: germline. Not counted in ClinVar's aggregate classification.
Comment: This variant is classified as likely benign based on ACMG/AMP sequence variant interpretation guidelines (Richards et al. 2015 PMID: 25741868, with internal and published modifications).

Clinical Genetics, Academic Medical Center
Classification: Uncertain significance. Review status: no assertion criteria provided. Collection method: clinical testing. Allele origin: germline. Affected: yes. Study: VKGL Data-share Consensus. Not counted in ClinVar's aggregate classification.

Joint Genome Diagnostic Labs from Nijmegen and Maastricht, Radboudumc and MUMC+
Classification: Uncertain significance. Review status: no assertion criteria provided. Collection method: clinical testing. Allele origin: germline. Affected: yes. Study: VKGL Data-share Consensus. Not counted in ClinVar's aggregate classification.

Literature cited by the submitters: PubMed 32188678 (cited by Women's Health and Genetics/Laboratory Corporation of America, LabCorp); PubMed 24498627 (cited by Women's Health and Genetics/Laboratory Corporation of America, LabCorp); PubMed 33528103 (cited by Women's Health and Genetics/Laboratory Corporation of America, LabCorp).

NM_206933.4(USH2A):c.8575C>T (p.Arg2859Cys)

Gene: USH2A (usherin; minus strand). Cytogenetic location: 1q41.
Variant type: single nucleotide variant.
Coding change: c.8575C>T on transcript NM_206933.4 (MANE Select); coding-DNA position 8575, C replaced by T.
Protein change: p.Arg2859Cys; replaces arginine 2859 with cysteine.
Molecular consequence: missense variant.
Genome position (GRCh38, 1-based): chr1:215,877,864, G>A on the plus strand (C>T on the coding strand, the complement: USH2A is on the minus strand). VCF-style: chr1-215877864-G-A. GRCh37 (hg19) VCF-style: chr1-216051206-G-A.
Other names: short protein forms R2859C.
Identifiers: ClinVar variation 48605 (VCV000048605.24), dbSNP rs138087806, ClinGen allele CA143632.
Genomic context (GRCh38, chr1:215,877,864, plus strand): 5'-TATTGTGCCACCGATTTAAATCTTCTGGGGGATTTGATGCAAGTGGCTGCTGGATTTTAC[G>A]TCTCAGAAGCTCATATCTAAAGCAAAAGACAAGCAGGAACATCAGGATTATCTCAACTCA-3'
Protein context (NP_996816.3, residues 2849-2869): GPNLRYELLR[Arg2859Cys]KIQQPLASNP